The following is an entry in ClinVar:

ClinVar aggregate classification (germline): Uncertain significance (1 of 4 stars; one submission).

gnomAD v4.1: 1 of 1,532,448 alleles (0.000065%); highest among the groups gnomAD compares: Non-Finnish European, 0.000088%; no homozygotes.

Submission:

Labcorp Genetics (formerly Invitae), Labcorp
Classification: Uncertain significance. Last evaluated: 2025-05-21. Review status: criteria provided, single submitter. Criteria: Invitae Variant Classification Sherloc (09022015). Collection method: clinical testing. Allele origin: germline.
Comment: This sequence change replaces serine, which is neutral and polar, with asparagine, which is neutral and polar, at codon 391 of the RIMS1 protein (p.Ser391Asn). This variant is not present in population databases (gnomAD no frequency). This variant has not been reported in the literature in individuals affected with RIMS1-related conditions. An algorithm developed to predict the effect of missense changes on protein structure and function (PolyPhen-2) suggests that this variant is likely to be tolerated. In summary, the available evidence is currently insufficient to determine the role of this variant in disease. Therefore, it has been classified as a Variant of Uncertain Significance.

NM_014989.7(RIMS1):c.1172G>A (p.Ser391Asn)

Gene: RIMS1 (regulating synaptic membrane exocytosis 1; plus strand). Cytogenetic location: 6q13.
Variant type: single nucleotide variant.
Coding change: c.1172G>A on transcript NM_014989.7 (MANE Select); coding-DNA position 1172, G replaced by A.
Protein change: p.Ser391Asn; replaces serine 391 with asparagine.
Molecular consequence: missense variant.
Genome position (GRCh38, 1-based): chr6:72,182,643, G>A. VCF-style: chr6-72182643-G-A. GRCh37 (hg19) VCF-style: chr6-72892346-G-A.
Other names: short protein forms S391N.
Identifiers: ClinVar variation 4693368 (VCV004693368.1).